The following is an entry in ClinVar:

ClinVar aggregate classification (germline): Conflicting classifications of pathogenicity. Review status: criteria provided, conflicting classifications (1 of 4 stars). 3 submissions from 3 submitters: Uncertain significance (2); Likely benign (1). Last evaluated 2026-05-24.

Conditions:
Familial thoracic aortic aneurysm and aortic dissection (TAAD). Also called: Thoracic aortic aneurysms and dissections. Identifiers: Orphanet 91387, MedGen C4707243, MONDO:0019625.
Congenital contractural arachnodactyly (CCA). Also called: BEALS SYNDROME; Beals-Hecht syndrome; Arthrogryposis, distal, type 9. Identifiers: Orphanet 115, MedGen C0220668, MONDO:0007363, OMIM 121050.

Allele frequency attached by ClinVar (database versions not stated): gnomAD exomes 0.00001 and below 0.00001; 1000 Genomes Project 30x 0.00016; gnomAD 0.00001; TOPMed 0.00001; 1000 Genomes Project 0.00020; ExAC 0.00002.

Submissions (3):

Ambry Genetics
Classification: Uncertain significance for Familial thoracic aortic aneurysm and aortic dissection. Last evaluated: 2026-05-24. Review status: criteria provided, single submitter. Criteria: Ambry Variant Classification Scheme 2023. Collection method: clinical testing. Allele origin: germline.
Comment: The p.T2444I variant (also known as c.7331C>T), located in coding exon 57 of the FBN2 gene, results from a C to T substitution at nucleotide position 7331. The threonine at codon 2444 is replaced by isoleucine, an amino acid with similar properties. This amino acid position is conserved. In addition, the in silico prediction for this alteration is inconclusive. Based on the available evidence, the clinical significance of this variant remains unclear.

Labcorp Genetics (formerly Invitae), Labcorp
Classification: Likely benign for Congenital contractural arachnodactyly. Last evaluated: 2023-10-14. Review status: criteria provided, single submitter. Criteria: Invitae Variant Classification Sherloc (09022015). Collection method: clinical testing. Allele origin: germline.

GeneDx
Classification: Uncertain significance. Last evaluated: 2015-04-29. Review status: criteria provided, single submitter. Criteria: GeneDx Variant Classification (06012015). Collection method: clinical testing. Allele origin: germline. Affected: yes.
Comment: p.Thr2444Ile (T2444I) ACA>ATA: c.7331 C>T in exon 57 of the FBN2 gene (NM_001999.3) The T2444I variant has not been published as a mutation, nor has it been reported as a benign polymorphism to our knowledge. The T2444I variant is a non-conservative amino acid substitution, which is likely to impact secondary protein structure as these residues differ in polarity, charge, size and/or other properties. The T2444I variant was not observed in approximately 6,500 individuals of European and African American ancestry in the NHLBI Exome Sequencing Project, however, it has been observed in the 1000 Genomes project in 1/128 alleles from individuals of Mexican ancestry. This substitution occurs at a position that is not conserved and in silico analysis is inconsistent in its predictions as to whether or not the variant is damaging to the protein structure/function. Furthermore, missense mutations in nearby residues have not been reported, indicating this region of the protein may be tolerant of change. Therefore, based on the currently available information, it is unclear whether this variant is a pathogenic mutation or a rare benign variant. This variant was found in TAADV2-PANCARD

NM_001999.4(FBN2):c.7331C>T (p.Thr2444Ile)

Gene: FBN2 (fibrillin 2; minus strand). Cytogenetic location: 5q23.3.
Variant type: single nucleotide variant.
Coding change: c.7331C>T on transcript NM_001999.4 (MANE Select); coding-DNA position 7331, C replaced by T.
Protein change: p.Thr2444Ile; replaces threonine 2444 with isoleucine.
Molecular consequence: missense variant.
Genome position (GRCh38, 1-based): chr5:128,278,649, G>A on the plus strand (C>T on the coding strand, the complement: FBN2 is on the minus strand). VCF-style: chr5-128278649-G-A. GRCh37 (hg19) VCF-style: chr5-127614341-G-A.
Other names: short protein forms T2444I.
Identifiers: ClinVar variation 213357 (VCV000213357.11), dbSNP rs201883128, ClinGen allele CA320225.